The following is an entry in ClinVar:

ClinVar aggregate classification (germline): Conflicting classifications of pathogenicity. Review status: criteria provided, conflicting classifications (1 of 4 stars). 3 submissions from 3 submitters: Uncertain significance (1); Likely benign (2). Last evaluated 2025-09-12.

Conditions:
Aortic aneurysm, familial thoracic 4 (AAT4). Also called: AORTIC ANEURYSM/AORTIC DISSECTION AND PATENT DUCTUS ARTERIOSUS. Identifiers: MedGen C1851504, MONDO:0007568, OMIM 132900.
Familial thoracic aortic aneurysm and aortic dissection (TAAD). Also called: Thoracic aortic aneurysms and dissections. Identifiers: Orphanet 91387, MedGen C4707243, MONDO:0019625.

Allele frequency attached by ClinVar (database versions not stated): TOPMed below 0.00001; ExAC 0.00001; gnomAD 0.00001.
gnomAD v4.1: 9 of 1,614,080 alleles (0.00056%); highest among the groups gnomAD compares: Non-Finnish European, 0.00068%; no homozygotes.

Submissions (3):

Ambry Genetics
Classification: Likely benign for Familial thoracic aortic aneurysm and aortic dissection. Last evaluated: 2025-09-12. Review status: criteria provided, single submitter. Criteria: Ambry Variant Classification Scheme 2023. Collection method: clinical testing. Allele origin: germline.

Labcorp Genetics (formerly Invitae), Labcorp
Classification: Likely benign for Aortic aneurysm, familial thoracic 4. Last evaluated: 2024-05-15. Review status: criteria provided, single submitter. Criteria: Invitae Variant Classification Sherloc (09022015). Collection method: clinical testing. Allele origin: germline.

All of Us Research Program, National Institutes of Health
Classification: Uncertain significance for Familial thoracic aortic aneurysm and aortic dissection. Last evaluated: 2024-01-11. Review status: criteria provided, single submitter. Criteria: ACMG Guidelines, 2015. Collection method: clinical testing. Allele origin: germline. Inheritance: Autosomal dominant inheritance. Observed: 2 variant alleles, 2 heterozygotes.
Comment: This variant is located in the MYH11 protein. To our knowledge, functional studies have not been reported for this variant. This variant has not been reported in individuals affected with MYH11-related disorders in the literature. This variant has been identified in 2/251440 chromosomes in the general population by the Genome Aggregation Database (gnomAD). The available evidence is insufficient to determine the role of this variant in disease conclusively. Therefore, this variant is classified as a Variant of Uncertain Significance.

This study involves interpretation of variants in research participants for the purpose of population health screening. Participant phenotype was not available at the time of variant classification. Additional details can be found in publication PMID: 35346344, PMCID: PMC8962531

NM_002474.3(MYH11):c.1284A>G (p.Thr428=)

Gene: MYH11 (myosin heavy chain 11; minus strand). Cytogenetic location: 16p13.11.
Variant type: single nucleotide variant.
Coding change: c.1284A>G on transcript NM_002474.3 (MANE Select); coding-DNA position 1284, A replaced by G.
Protein change: p.Thr428=; no amino-acid change (threonine 428 retained).
Molecular consequence: synonymous variant.
Genome position (GRCh38, 1-based): chr16:15,759,693, T>C on the plus strand (A>G on the coding strand, the complement: MYH11 is on the minus strand). VCF-style: chr16-15759693-T-C. GRCh37 (hg19) VCF-style: chr16-15853550-T-C.
Other names: c.1284A>G, p.Thr428= (NM_022844.3); c.1305A>G, p.Thr435= (NM_001040113.2, NM_001040114.2); c.1284A>G (NM_002474.2).
Identifiers: ClinVar variation 3069856 (VCV003069856.4), dbSNP rs767856934, ClinGen allele CA7922646.